The following is an entry in ClinVar:

ClinVar aggregate classification (germline): Likely benign (1 of 4 stars; one submission).

Conditions:
Charcot-Marie-Tooth disease type 4H (CMT4H). Also called: CHARCOT-MARIE-TOOTH DISEASE, AUTOSOMAL RECESSIVE, TYPE 4H; CHARCOT-MARIE-TOOTH DISEASE, DEMYELINATING, AUTOSOMAL RECESSIVE, TYPE 4H; CHARCOT-MARIE-TOOTH NEUROPATHY, TYPE 4H; CHARCOT-MARIE-TOOTH DISEASE, DEMYELINATING, TYPE 4H. Identifiers: Orphanet 99954, MedGen C1836336, MONDO:0012250, OMIM 609311.

Allele frequency attached by ClinVar (database versions not stated): gnomAD 0.00044 and 0.00063; TOPMed 0.00094; 1000 Genomes Project 30x 0.00156; 1000 Genomes Project 0.00200.

Submission:

Illumina Laboratory Services, Illumina
Classification: Likely benign for Charcot-Marie-Tooth disease type 4H. Last evaluated: 2018-01-13. Review status: criteria provided, single submitter. Criteria: ICSL Variant Classification Criteria 13 December 2019. Collection method: clinical testing. Allele origin: germline.
Comment: This variant was observed in the ICSL laboratory as part of a predisposition screen in an ostensibly healthy population. It had not been previously curated by ICSL or reported in the Human Gene Mutation Database (HGMD: prior to June 1st, 2018), and was therefore a candidate for classification through an automated scoring system. Utilizing variant allele frequency, disease prevalence and penetrance estimates, and inheritance mode, an automated score was calculated to assess if this variant is too frequent to cause the disease. Based on the score and internal cut-off values, a variant classified as likely benign is not then subjected to further curation. The score for this variant resulted in a classification of likely benign for this disease.

NM_001370298.3(FGD4):c.*4831C>T

Gene: FGD4 (FYVE, RhoGEF and PH domain containing 4; plus strand). Cytogenetic location: 12p11.21.
Variant type: single nucleotide variant.
Coding change: c.*4831C>T on transcript NM_001370298.3 (MANE Select); 4831 bases downstream of the stop codon, C replaced by T.
Molecular consequence: 3 prime UTR variant.
Genome position (GRCh38, 1-based): chr12:32,645,364, C>T. VCF-style: chr12-32645364-C-T. GRCh37 (hg19) VCF-style: chr12-32798298-C-T.
Other names: c.*4831C>T (NM_001304481.2, NM_001304484.2, NM_001330373.2 and 5 more transcripts); c.*739C>T (NM_001384126.1, NM_001384127.1, NM_001384128.1).
Identifiers: ClinVar variation 308367 (VCV000308367.5), dbSNP rs145433607, ClinGen allele CA10640954.